The following is an entry in ClinVar:

ClinVar aggregate classification (germline): Likely pathogenic (1 of 4 stars; one submission).

Submission:

GeneDx
Classification: Likely pathogenic. Last evaluated: 2017-07-20. Review status: criteria provided, single submitter. Criteria: GeneDx Variant Classification (06012015). Collection method: clinical testing. Allele origin: germline. Affected: yes.
Comment: The c.2841_2843delCCT variant in the KIF11 gene has not been reported previously as a pathogenic variant, nor as a benign variant, to our knowledge. The c.2841_2843delCCT variant causes an in-frame deletion of one amino acid, Leucine 948, denoted p.Leu948del. This amino acid deletion occurs at a position that is conserved in mammals. In silico analysis predicts this variant is probably damaging to the protein structure/function. The c.2841_2843delCCT variant is not observed in large population cohorts (Lek et al., 2016; 1000 Genomes Consortium et al., 2015; Exome Variant Server). We interpret c.2841_2843delCCT as a likely pathogenic variant.

NM_004523.4(KIF11):c.2841_2843del (p.Leu948del)

Gene: KIF11 (kinesin family member 11; plus strand). Cytogenetic location: 10q23.33.
Variant type: Deletion.
Coding change: c.2841_2843del on transcript NM_004523.4 (MANE Select); coding-DNA positions 2841 to 2843, 3 bases deleted (CCT; older notation c.2841_2843delCCT).
Protein change: p.Leu948del; deletes leucine 948.
Molecular consequence: inframe deletion.
Genome position (GRCh38, 1-based): chr10:92,649,905-92,649,907, CCT deleted; deleting any 3 consecutive bases within chr10:92,649,903-92,649,907 gives the same sequence; the c. name uses the placement nearest the transcript's 3' end. VCF-style (leftmost placement, unchanged base first): chr10-92649902-TCTC-T. GRCh37 (hg19) VCF-style: chr10-94409659-TCTC-T.
Other names: short protein forms L948del.
Identifiers: ClinVar variation 450690 (VCV000450690.2), dbSNP rs1554863182, ClinGen allele CA658658004.